The following is an entry in ClinVar:

NM_020699.4(GATAD2B):c.1610C>A (p.Pro537His)

Gene: GATAD2B (GATA zinc finger domain containing 2B; minus strand). Cytogenetic location: 1q21.3.
Variant type: single nucleotide variant.
Coding change: c.1610C>A on transcript NM_020699.4 (MANE Select); coding-DNA position 1610, C replaced by A.
Protein change: p.Pro537His; replaces proline 537 with histidine.
Molecular consequence: missense variant.
Genome position (GRCh38, 1-based): chr1:153,811,769, G>T on the plus strand (C>A on the coding strand, the complement: GATAD2B is on the minus strand). VCF-style: chr1-153811769-G-T. GRCh37 (hg19) VCF-style: chr1-153784245-G-T.
Other names: short protein forms P537H.
Identifiers: ClinVar variation 2053536 (VCV002053536.4), dbSNP rs2525232728, ClinGen allele CA342580770.
Genomic context (GRCh38, chr1:153,811,769, plus strand): 5'-TTTTCAGATTAATCCTTCTTACCTGGCATACCAAGGAGGCCACCTGGCACAGACAACTGG[G>T]GTGCCTGTGCAAAGTTTGAAAGCATGGAGCGGGCAGATGTGGGTATGCCACGCTGGAGGC-3'
Protein context (NP_065750.1, residues 527-547): RSMLSNFAQA[Pro537His]QLSVPGGLLG

ClinVar aggregate classification (germline): Uncertain significance (1 of 4 stars; one submission).

Submission:

Labcorp Genetics (formerly Invitae), Labcorp
Classification: Uncertain significance. Last evaluated: 2021-12-22. Review status: criteria provided, single submitter. Criteria: Invitae Variant Classification Sherloc (09022015). Collection method: clinical testing. Allele origin: germline.
Comment: This sequence change replaces proline, which is neutral and non-polar, with histidine, which is basic and polar, at codon 537 of the GATAD2B protein (p.Pro537His). In summary, the available evidence is currently insufficient to determine the role of this variant in disease. Therefore, it has been classified as a Variant of Uncertain Significance. Algorithms developed to predict the effect of missense changes on protein structure and function are either unavailable or do not agree on the potential impact of this missense change (SIFT: "Not Available"; PolyPhen-2: "Probably Damaging"; Align-GVGD: "Not Available"). This variant has not been reported in the literature in individuals affected with GATAD2B-related conditions. This variant is not present in population databases (gnomAD no frequency).